The following is an entry in ClinVar:

NM_182746.3(MCM4):c.2329C>T (p.Arg777Trp)

Gene: MCM4 (minichromosome maintenance complex component 4; plus strand). Cytogenetic location: 8q11.21.
Variant type: single nucleotide variant.
Coding change: c.2329C>T on transcript NM_182746.3 (MANE Select); coding-DNA position 2329, C replaced by T.
Protein change: p.Arg777Trp; replaces arginine 777 with tryptophan.
Molecular consequence: missense variant.
Genome position (GRCh38, 1-based): chr8:47,974,926, C>T. VCF-style: chr8-47974926-C-T. GRCh37 (hg19) VCF-style: chr8-48887486-C-T.
Other names: c.2329C>T, p.Arg777Trp (NM_005914.4); short protein forms R777W.
Identifiers: ClinVar variation 4697087 (VCV004697087.1).
Genomic context (GRCh38, chr8:47,974,926, plus strand): 5'-GATGTGGAAGAGGCCAAACGCCTCCATCGGGAAGCTCTGAAGCAGTCTGCAACTGATCCC[C>T]GGACTGGCATCGTGGACATATCTATTCTTACTACGGGTTCGTTATTTTCAGTGAACAGAA-3'
Protein context (NP_877423.1, residues 767-787): EALKQSATDP[Arg777Trp]TGIVDISILT

ClinVar aggregate classification (germline): Uncertain significance (1 of 4 stars; one submission).

gnomAD v4.1: 20 of 1,614,010 alleles (0.0012%); highest among the groups gnomAD compares: East Asian, 0.0045%; no homozygotes.

Submission:

Labcorp Genetics (formerly Invitae), Labcorp
Classification: Uncertain significance. Last evaluated: 2025-05-01. Review status: criteria provided, single submitter. Criteria: Invitae Variant Classification Sherloc (09022015). Collection method: clinical testing. Allele origin: germline.
Comment: This sequence change replaces arginine, which is basic and polar, with tryptophan, which is neutral and slightly polar, at codon 777 of the MCM4 protein (p.Arg777Trp). This variant is present in population databases (rs759205268, gnomAD 0.01%). This variant has not been reported in the literature in individuals affected with MCM4-related conditions. An algorithm developed to predict the effect of missense changes on protein structure and function (PolyPhen-2) suggests that this variant is likely to be disruptive. In summary, the available evidence is currently insufficient to determine the role of this variant in disease. Therefore, it has been classified as a Variant of Uncertain Significance.